The following is an entry in ClinVar:

ClinVar aggregate classification (germline): Benign/Likely benign. Review status: criteria provided, multiple submitters, no conflicts (2 of 4 stars). 5 submissions from 5 submitters: Benign (1); Likely benign (4). Last evaluated 2026-02-03.

Conditions:
MET-related disorder. Also called: MET-related condition.
Renal cell carcinoma. Identifiers: Orphanet 217071, MedGen C0007134, MeSH D002292, MONDO:0005086, HP:0005584.
Papillary renal cell carcinoma type 1 (RCCP1). Also called: RENAL CELL CARCINOMA, PAPILLARY, 1, SOMATIC; Renal adenocarcinoma; Renal cell carcinoma 1; Renal cell carcinoma, somatic. Identifiers: Orphanet 47044, MedGen C1336839, OMIM 605074, HP:0011797.

Allele frequency attached by ClinVar (database versions not stated): gnomAD 0.00001; gnomAD exomes 0.00003 and 0.00017; TOPMed 0.00005; ExAC 0.00017.
gnomAD v4.1: 47 of 1,609,884 alleles (0.0029%); highest among the groups gnomAD compares: Admixed American, 0.079%; no homozygotes.

Submissions (5):

Labcorp Genetics (formerly Invitae), Labcorp
Classification: Benign for Renal cell carcinoma. Last evaluated: 2026-02-03. Review status: criteria provided, single submitter. Criteria: Invitae Variant Classification Sherloc (09022015). Collection method: clinical testing. Allele origin: germline.

PreventionGenetics, part of Exact Sciences
Classification: Likely benign for MET-related condition. Last evaluated: 2025-07-15. Review status: criteria provided, single submitter. Criteria: ACMG Guidelines, 2015. Collection method: clinical testing. Allele origin: germline.
Comment: This variant is classified as likely benign based on ACMG/AMP sequence variant interpretation guidelines (Richards et al. 2015 PMID: 25741868, with internal and published modifications).

Quest Diagnostics Nichols Institute San Juan Capistrano
Classification: Likely benign. Last evaluated: 2025-04-23. Review status: criteria provided, single submitter. Criteria: Quest Diagnostics criteria. Collection method: clinical testing. Allele origin: unknown.

Myriad Genetics, Inc.
Classification: Likely benign for Papillary renal cell carcinoma type 1. Last evaluated: 2024-11-07. Review status: criteria provided, single submitter. Criteria: Myriad Autosomal Dominant, Autosomal Recessive and X-Linked Classification Criteria (2023). Collection method: clinical testing. Allele origin: unknown.
Comment: This variant is considered likely benign. This variant is intronic and is not expected to impact mRNA splicing.

Blueprint Genetics
Classification: Likely benign. Last evaluated: 2020-12-22. Review status: criteria provided, single submitter. Criteria: ACMG Guidelines, 2015. Collection method: clinical testing. Allele origin: germline.

NM_000245.4(MET):c.1701+7A>T

Gene: MET (MET proto-oncogene, receptor tyrosine kinase; plus strand). Cytogenetic location: 7q31.2.
Variant type: single nucleotide variant.
Coding change: c.1701+7A>T on transcript NM_000245.4 (MANE Select); 7 bases into the intron after coding-DNA position 1701, A replaced by T.
Molecular consequence: intron variant.
Genome position (GRCh38, 1-based): chr7:116,741,032, A>T. VCF-style: chr7-116741032-A-T. GRCh37 (hg19) VCF-style: chr7-116381086-A-T.
Other names: c.1701+7A>T (NM_001127500.2, NM_001127500.3, NM_001324401.3); c.411+7A>T (NM_001324402.2).
Identifiers: ClinVar variation 454195 (VCV000454195.15), dbSNP rs749081367, ClinGen allele CA4448224.